The following is an entry in ClinVar:

NM_004746.4(DLGAP1):c.957+4875G>C

Gene: DLGAP1 (DLG associated protein 1; minus strand). Cytogenetic location: 18p11.31.
Variant type: single nucleotide variant.
Coding change: c.957+4875G>C on transcript NM_004746.4 (MANE Select); 4875 bases into the intron after coding-DNA position 957, G replaced by C.
Molecular consequence: intron variant. On other transcripts: 5 prime UTR variant (11).
Genome position (GRCh38, 1-based): chr18:3,874,237, C>G on the plus strand (G>C on the coding strand, the complement: DLGAP1 is on the minus strand). VCF-style: chr18-3874237-C-G. GRCh37 (hg19) VCF-style: chr18-3874237-C-G.
Other names: c.-9G>C (NM_001242764.2, NM_001308390.2, NM_001398531.1 and 8 more transcripts); c.957+4875G>C (NM_001398527.1, NM_001398526.1, NM_001398525.1 and 2 more transcripts); c.93+377G>C (NM_001242762.2, NM_001398533.1, NM_001242763.2 and 4 more transcripts).
Identifiers: ClinVar variation 3043779 (VCV003043779.2), dbSNP rs141711371, ClinGen allele CA8876582.

ClinVar aggregate classification (germline): Benign (0 of 4 stars; one submission).

Conditions:
DLGAP1-related disorder. Also called: DLGAP1-related condition.

Allele frequency attached by ClinVar (database versions not stated): ExAC 0.00012; gnomAD exomes 0.00021; gnomAD 0.00036; TOPMed 0.00043; 1000 Genomes Project 30x 0.00219; 1000 Genomes Project 0.00220.
gnomAD v4.1: 398 of 1,549,946 alleles (0.026%); highest among the groups gnomAD compares: East Asian, 0.8%; 2 homozygotes.

Submission:

PreventionGenetics, part of Exact Sciences
Classification: Benign for DLGAP1-related condition. Last evaluated: 2019-08-29. Review status: no assertion criteria provided. Collection method: clinical testing. Allele origin: germline.
Comment: This variant is classified as benign based on ACMG/AMP sequence variant interpretation guidelines (Richards et al. 2015 PMID: 25741868, with internal and published modifications).